The following is an entry in ClinVar:

NM_001363711.2(DUOX2):c.1873C>T (p.Arg625Ter)

Gene: DUOX2 (dual oxidase 2; minus strand). Cytogenetic location: 15q21.1.
Variant type: single nucleotide variant.
Coding change: c.1873C>T on transcript NM_001363711.2 (MANE Select); coding-DNA position 1873, C replaced by T.
Protein change: p.Arg625Ter; replaces arginine 625 with a stop codon.
Molecular consequence: nonsense.
Genome position (GRCh38, 1-based): chr15:45,106,600, G>A on the plus strand (C>T on the coding strand, the complement: DUOX2 is on the minus strand). VCF-style: chr15-45106600-G-A. GRCh37 (hg19) VCF-style: chr15-45398798-G-A.
Other names: c.1873C>T, p.Arg625Ter (NM_014080.5); short protein forms R625*.
Identifiers: ClinVar variation 1456312 (VCV001456312.12), dbSNP rs770083296, ClinGen allele CA7538464.

ClinVar aggregate classification (germline): Pathogenic/Likely pathogenic. Review status: criteria provided, multiple submitters, no conflicts (2 of 4 stars). 6 submissions from 6 submitters: Pathogenic (5); Likely pathogenic (1). Last evaluated 2026-06-01.

Conditions:
Inborn genetic diseases. Identifiers: MedGen C0950123, MeSH D030342.
Thyroid dyshormonogenesis 6 (TDH6). Also called: Genetic transient congenital hypothyroidism; HYPOTHYROIDISM, CONGENITAL, DUE TO DYSHORMONOGENESIS, 6; THYROID HORMONOGENESIS, GENETIC DEFECT IN, 6. Identifiers: Orphanet 226316, Orphanet 95716, MedGen C1846632, MONDO:0011792, OMIM 607200.

Allele frequency attached by ClinVar (database versions not stated): TOPMed 0.00001; ExAC 0.00002.
gnomAD v4.1: 23 of 1,613,748 alleles (0.0014%); highest among the groups gnomAD compares: Admixed American, 0.005%; no homozygotes.

Submissions (6):

Ambry Genetics
Classification: Pathogenic for Inborn genetic diseases. Last evaluated: 2026-06-01. Review status: criteria provided, single submitter. Criteria: Ambry Variant Classification Scheme 2023. Collection method: clinical testing. Allele origin: germline.
Comment: The c.1873C>T (p.R625*) alteration, located in exon 16 (coding exon 15) of the DUOX2 gene, consists of a C to T substitution at nucleotide position 1873. This changes the amino acid from a arginine (R) to a stop codon at amino acid position 625. This variant is expected to result in loss of function by premature protein truncation or nonsense-mediated mRNA decay. Based on data from gnomAD, the T allele has an overall frequency of 0.002% (6/251472) total alleles studied. The highest observed frequency was 0.004% (4/113746) of European (non-Finnish) alleles. This variant has been identified in the homozygous state and/or in conjunction with other DUOX2 variant(s) in individual(s) with features consistent with DUOX2-related thyroid dyshormonogenesis; in at least one instance, the variants were identified in trans (Sun, 2018; Wang, 2020; Wang, 2020; Huang, 2021; Zhang, 2023; Li, 2024). Based on the available evidence, this alteration is classified as pathogenic.

Labcorp Genetics (formerly Invitae), Labcorp
Classification: Pathogenic. Last evaluated: 2025-10-13. Review status: criteria provided, single submitter. Criteria: Invitae Variant Classification Sherloc (09022015). Collection method: clinical testing. Allele origin: germline.
Comment: This sequence change creates a premature translational stop signal (p.Arg625*) in the DUOX2 gene. It is expected to result in an absent or disrupted protein product. Loss-of-function variants in DUOX2 are known to be pathogenic (PMID: 12110737, 18765513, 21565790, 24423310, 24735383). This variant is present in population databases (rs770083296, gnomAD 0.004%). This premature translational stop signal has been observed in individual(s) with clinical features of DUOX2-related conditions (PMID: 29650690, 30022773, 32319661, 32425884). ClinVar contains an entry for this variant (Variation ID: 1456312). For these reasons, this variant has been classified as Pathogenic.

Women's Health and Genetics/Laboratory Corporation of America, LabCorp
Classification: Pathogenic for Thyroid dyshormonogenesis 6. Last evaluated: 2025-03-18. Review status: criteria provided, single submitter. Criteria: LabCorp Variant Classification Summary - May 2015. Collection method: clinical testing. Allele origin: germline.
Comment: Variant summary: DUOX2 c.1873C>T (p.Arg625X) results in a premature termination codon, predicted to cause a truncation of the encoded protein or absence of the protein due to nonsense mediated decay, which are commonly known mechanisms for disease. The variant allele was found at a frequency of 2.4e-05 in 251472 control chromosomes. c.1873C>T has been reported in the literature in individuals affected with congenital hypothyroidism (example: Sun_2021). These data indicate that the variant may be associated with disease. The following publication has been ascertained in the context of this evaluation (PMID: 34564849). ClinVar contains an entry for this variant (Variation ID: 1456312). Based on the evidence outlined above, the variant was classified as pathogenic.

Genetics and Molecular Pathology, SA Pathology
Classification: Pathogenic for Thyroid dyshormonogenesis 6. Last evaluated: 2022-11-29. Review status: criteria provided, single submitter. Criteria: ACMG Guidelines, 2015. Collection method: clinical testing. Allele origin: germline. Inheritance: Autosomal recessive inheritance. Affected: yes.
Comment: The DUOX2 c.1873C>T variant is classified as Pathogenic (PVS1, PS4_moderate, PM2, PM3) The DUOX2 c.1873C>T variant is a single nucleotide change which is predicted to result in premature termination of the protein product at codon 625 (PVS1). The variant has been reported in patients with congenital hypothyroidism (PMID:32319661, 34276565, 30022773) (PS4_Moderate). The variant is rare in population databases (gnomAD allele frequency = 0.0019%; 3 het and 0 hom in 151854 sequenced alleles; highest frequency = 0.0065%, Latino population) (PM2). This variant has been detected in trans with a pathogenic variant for this recessive condition (PMID:32319661, 34276565) (PM3). The variant has been reported in dbSNP (rs770083296) and as disease causing in the HGMD database (CM1618019). It has been reported as Pathogenic by other diagnostic laboratories (ClinVar Variation ID: 1456312).

Fulgent Genetics
Classification: Likely pathogenic for Thyroid dyshormonogenesis 6. Last evaluated: 2022-01-05. Review status: criteria provided, single submitter. Criteria: ACMG Guidelines, 2015. Collection method: clinical testing. Allele origin: unknown.

Juno Genomics, Hangzhou Juno Genomics, Inc
Classification: Pathogenic for Thyroid dyshormonogenesis 6. Review status: criteria provided, single submitter. Criteria: ACMG Guidelines, 2015. Collection method: clinical testing. Allele origin: germline.
Comment: Absent from controls (or at extremely low frequency if recessive) in Genome Aggregation Database.;Null variant in a gene where loss of function (LOF) is a known mechanism of disease.;For recessive disorders, detected in trans with a pathogenic variant.;Patient's phenotype or family history is highly specific for a disease with a single genetic etiology.

Literature cited by the submitters: PubMed 29650690 (cited by Ambry Genetics and Labcorp Genetics (formerly Invitae), Labcorp); PubMed 32319661 (cited by 3 submitters); PubMed 32425884 (cited by Ambry Genetics and Labcorp Genetics (formerly Invitae), Labcorp); PubMed 34276565 (cited by Ambry Genetics and Genetics and Molecular Pathology, SA Pathology); PubMed 37390946 (cited by Ambry Genetics); PubMed 38468821 (cited by Ambry Genetics); PubMed 12110737 (cited by Labcorp Genetics (formerly Invitae), Labcorp); PubMed 18765513 (cited by Labcorp Genetics (formerly Invitae), Labcorp); PubMed 21565790 (cited by Labcorp Genetics (formerly Invitae), Labcorp); PubMed 24423310 (cited by Labcorp Genetics (formerly Invitae), Labcorp); PubMed 24735383 (cited by Labcorp Genetics (formerly Invitae), Labcorp); PubMed 30022773 (cited by Labcorp Genetics (formerly Invitae), Labcorp and Genetics and Molecular Pathology, SA Pathology); PubMed 34564849 (cited by Women's Health and Genetics/Laboratory Corporation of America, LabCorp).